The following is an entry in ClinVar:

ClinVar aggregate classification (germline): Conflicting classifications of pathogenicity. Review status: criteria provided, conflicting classifications (1 of 4 stars). 3 submissions from 3 submitters: Uncertain significance (2); Likely benign (1). Last evaluated 2024-03-05.

Conditions:
Hereditary cancer-predisposing syndrome. Also called: Tumor predisposition; Neoplastic Syndromes, Hereditary; Hereditary Cancer Syndrome; Hereditary neoplastic syndrome. Identifiers: Orphanet 140162, MedGen C0027672, MeSH D009386, MONDO:0015356.
Fanconi anemia complementation group O. Also called: RAD51C-Related Fanconi Anemia. Identifiers: Orphanet 84, MedGen C3150653, MONDO:0013248, OMIM 613390.

Submissions (3):

Ambry Genetics
Classification: Likely benign for Hereditary cancer-predisposing syndrome. Last evaluated: 2024-03-05. Review status: criteria provided, single submitter. Criteria: Ambry Variant Classification Scheme 2023. Collection method: clinical testing. Allele origin: germline.

Labcorp Genetics (formerly Invitae), Labcorp
Classification: Uncertain significance for Fanconi anemia complementation group O. Last evaluated: 2023-04-04. Review status: criteria provided, single submitter. Criteria: Invitae Variant Classification Sherloc (09022015). Collection method: clinical testing. Allele origin: germline.
Comment: This sequence change replaces threonine, which is neutral and polar, with isoleucine, which is neutral and non-polar, at codon 359 of the RAD51C protein (p.Thr359Ile). This variant is not present in population databases (gnomAD no frequency). This missense change has been observed in individual(s) with lung cancer (PMID: 28125075). ClinVar contains an entry for this variant (Variation ID: 1784920). An algorithm developed to predict the effect of missense changes on protein structure and function (PolyPhen-2) suggests that this variant is likely to be tolerated. In summary, the available evidence is currently insufficient to determine the role of this variant in disease. Therefore, it has been classified as a Variant of Uncertain Significance.

Color Diagnostics, LLC DBA Color Health
Classification: Uncertain significance for Hereditary cancer-predisposing syndrome. Last evaluated: 2022-04-05. Review status: criteria provided, single submitter. Criteria: ACMG Guidelines, 2015. Collection method: clinical testing. Allele origin: germline.
Comment: This missense variant replaces threonine with isoleucine at codon 359 of the RAD51C protein. Computational prediction suggests that this variant may not impact protein structure and function (internally defined REVEL score threshold <= 0.5, PMID: 27666373). To our knowledge, functional studies have not been reported for this variant. This variant has not been reported in individuals affected with hereditary cancer in the literature. This variant has not been identified in the general population by the Genome Aggregation Database (gnomAD). The available evidence is insufficient to determine the role of this variant in disease conclusively. Therefore, this variant is classified as a Variant of Uncertain Significance.

Literature cited by the submitters: PubMed 28125075 (cited by Ambry Genetics and Labcorp Genetics (formerly Invitae), Labcorp).

NM_058216.3(RAD51C):c.1076C>T (p.Thr359Ile)

Gene: RAD51C (RAD51 paralog C; plus strand). Cytogenetic location: 17q22.
Variant type: single nucleotide variant.
Coding change: c.1076C>T on transcript NM_058216.3 (MANE Select); coding-DNA position 1076, C replaced by T.
Protein change: p.Thr359Ile; replaces threonine 359 with isoleucine.
Molecular consequence: missense variant. On other transcripts: non-coding transcript variant (1).
Genome position (GRCh38, 1-based): chr17:58,734,167, C>T. VCF-style: chr17-58734167-C-T. GRCh37 (hg19) VCF-style: chr17-56811528-C-T.
Other names: c.*504C>T (NM_058217.1); short protein forms T359I.
Identifiers: ClinVar variation 1784920 (VCV001784920.6), dbSNP rs895514056, ClinGen allele CA292074358.